The following is an entry in ClinVar:

NM_170606.3(KMT2C):c.6950A>C (p.Gln2317Pro)

Gene: KMT2C (lysine methyltransferase 2C; minus strand). Cytogenetic location: 7q36.1.
Variant type: single nucleotide variant.
Coding change: c.6950A>C on transcript NM_170606.3 (MANE Select); coding-DNA position 6950, A replaced by C.
Protein change: p.Gln2317Pro; replaces glutamine 2317 with proline.
Molecular consequence: missense variant.
Genome position (GRCh38, 1-based): chr7:152,180,910, T>G on the plus strand (A>C on the coding strand, the complement: KMT2C is on the minus strand). VCF-style: chr7-152180910-T-G. GRCh37 (hg19) VCF-style: chr7-151877995-T-G.
Other names: short protein forms Q2317P.
Identifiers: ClinVar variation 3252519 (VCV003252519.1), dbSNP rs2129119339.

ClinVar aggregate classification (germline): Uncertain significance (1 of 4 stars; one submission).

Submission:

GeneDx
Classification: Uncertain significance. Last evaluated: 2023-06-13. Review status: criteria provided, single submitter. Criteria: GeneDx Variant Classification Process June 2021. Collection method: clinical testing. Allele origin: germline. Affected: yes.
Comment: Not observed at significant frequency in large population cohorts (gnomAD); In silico analysis supports that this missense variant does not alter protein structure/function; Has not been previously published as pathogenic or benign to our knowledge